The following is an entry in ClinVar:

NM_006231.4(POLE):c.223G>A (p.Asp75Asn)

Gene: POLE (DNA polymerase epsilon, catalytic subunit; minus strand). Cytogenetic location: 12q24.33.
Variant type: single nucleotide variant.
Coding change: c.223G>A on transcript NM_006231.4 (MANE Select); coding-DNA position 223, G replaced by A.
Protein change: p.Asp75Asn; replaces aspartic acid 75 with asparagine.
Molecular consequence: missense variant.
Genome position (GRCh38, 1-based): chr12:132,680,669, C>T on the plus strand (G>A on the coding strand, the complement: POLE is on the minus strand). VCF-style: chr12-132680669-C-T. GRCh37 (hg19) VCF-style: chr12-133257255-C-T.
Other names: short protein forms D75N.
Identifiers: ClinVar variation 1492621 (VCV001492621.8), dbSNP rs2136031313, ClinGen allele CA387369318.

ClinVar aggregate classification (germline): Uncertain significance (1 of 4 stars; one submission).

Submission:

Labcorp Genetics (formerly Invitae), Labcorp
Classification: Uncertain significance. Last evaluated: 2020-12-10. Review status: criteria provided, single submitter. Criteria: Invitae Variant Classification Sherloc (09022015). Collection method: clinical testing. Allele origin: germline.
Comment: In summary, the available evidence is currently insufficient to determine the role of this variant in disease. Therefore, it has been classified as a Variant of Uncertain Significance. Algorithms developed to predict the effect of missense changes on protein structure and function are either unavailable or do not agree on the potential impact of this missense change (SIFT: "Deleterious"; PolyPhen-2: "Benign"; Align-GVGD: "Class C0"). This variant has not been reported in the literature in individuals with POLE-related conditions. This variant is not present in population databases (ExAC no frequency). This sequence change replaces aspartic acid with asparagine at codon 75 of the POLE protein (p.Asp75Asn). The aspartic acid residue is highly conserved and there is a small physicochemical difference between aspartic acid and asparagine.